The following is an entry in ClinVar:

NM_019066.5(MAGEL2):c.3713G>A (p.Ser1238Asn)

Gene: MAGEL2 (MAGE family member L2; minus strand). Cytogenetic location: 15q11.2.
Variant type: single nucleotide variant.
Coding change: c.3713G>A on transcript NM_019066.5 (MANE Select); coding-DNA position 3713, G replaced by A.
Protein change: p.Ser1238Asn; replaces serine 1238 with asparagine.
Molecular consequence: missense variant.
Genome position (GRCh38, 1-based): chr15:23,644,030, C>T on the plus strand (G>A on the coding strand, the complement: MAGEL2 is on the minus strand). VCF-style: chr15-23644030-C-T. GRCh37 (hg19) VCF-style: chr15-23889177-C-T.
Other names: short protein forms S1238N.
Identifiers: ClinVar variation 3344586 (VCV003344586.1).

ClinVar aggregate classification (germline): Uncertain significance (0 of 4 stars; one submission).

Conditions:
MAGEL2-related disorder. Also called: MAGEL2-related condition.

gnomAD v4.1: 1 of 1,609,200 alleles (0.000062%); highest among the groups gnomAD compares: Non-Finnish European, 0.000085%; no homozygotes.

Submission:

PreventionGenetics, part of Exact Sciences
Classification: Uncertain significance for MAGEL2-related condition. Last evaluated: 2024-05-21. Review status: no assertion criteria provided. Collection method: clinical testing. Allele origin: germline.
Comment: The MAGEL2 c.3713G>A variant is predicted to result in the amino acid substitution p.Ser1238Asn. To our knowledge, this variant has not been reported in the literature or in a large population database, indicating this variant is rare. At this time, the clinical significance of this variant is uncertain due to the absence of conclusive functional and genetic evidence.